The following is an entry in ClinVar:

NM_001130438.3(SPTAN1):c.4540G>A (p.Ala1514Thr)

Gene: SPTAN1 (spectrin alpha, non-erythrocytic 1; plus strand). Cytogenetic location: 9q34.11.
Variant type: single nucleotide variant.
Coding change: c.4540G>A on transcript NM_001130438.3 (MANE Select); coding-DNA position 4540, G replaced by A.
Protein change: p.Ala1514Thr; replaces alanine 1514 with threonine.
Molecular consequence: missense variant.
Genome position (GRCh38, 1-based): chr9:128,608,922, G>A. VCF-style: chr9-128608922-G-A. GRCh37 (hg19) VCF-style: chr9-131371201-G-A.
Other names: c.4480G>A, p.Ala1494Thr (NM_001195532.2, NM_001363765.2); c.4540G>A, p.Ala1514Thr (NM_001363759.2, NM_003127.4); short protein forms A1514T, A1494T.
Identifiers: ClinVar variation 380654 (VCV000380654.21), dbSNP rs145551982, ClinGen allele CA5265208.
Genomic context (GRCh38, chr9:128,608,922, plus strand): 5'-GTTTTCTGACAGGAAGAGAAGATTGCTGCTCTGCAGGCCTTTGCCGACCAGCTCATCGCT[G>A]CCGGCCATTATGCCAAGGGAGACATTTCTAGCCGGCGCAATGAGGTCTTGGACAGGTGGG-3'
Protein context (NP_001123910.1, residues 1504-1524): LQAFADQLIA[Ala1514Thr]GHYAKGDISS

ClinVar aggregate classification (germline): Benign/Likely benign. Review status: criteria provided, multiple submitters, no conflicts (2 of 4 stars). 7 submissions from 7 submitters: Benign (2); Likely benign (3). 2 of the submissions do not count toward it. Last evaluated 2025-08-25.

Conditions:
SPTAN1-related disorder. Also called: SPTAN1-related disorders; SPTAN1-related condition.
Early-infantile DEE. Also called: Early infantile epileptic encephalopathy with suppression bursts; Ohtahara syndrome; Early infantile epileptic encephalopathy. Identifiers: Orphanet 1934, MedGen C0393706, MONDO:0800491.
Inborn genetic diseases. Identifiers: MedGen C0950123, MeSH D030342.
Developmental and epileptic encephalopathy, 5 (DEE5). Identifiers: Orphanet 3451, MedGen C3150731, MONDO:0013277, OMIM 613477.
Microcephaly. Also called: Microcephaly (disease). Identifiers: MedGen C4551563, MONDO:0001149, HP:0000252.

Allele frequency attached by ClinVar (database versions not stated): gnomAD 0.00005 and 0.00012; TOPMed 0.00008; gnomAD exomes 0.00015 and 0.00019; ExAC 0.00026; 1000 Genomes Project 30x 0.00094; 1000 Genomes Project 0.00120.
gnomAD v4.1: 235 of 1,614,240 alleles (0.015%); highest among the groups gnomAD compares: East Asian, 0.51%; 2 homozygotes.

Submissions (7):

Ambry Genetics
Classification: Likely benign for Inborn genetic diseases. Last evaluated: 2025-08-25. Review status: criteria provided, single submitter. Criteria: Ambry Variant Classification Scheme 2023. Collection method: clinical testing. Allele origin: germline.

Labcorp Genetics (formerly Invitae), Labcorp
Classification: Likely benign for Early-infantile DEE. Last evaluated: 2025-05-17. Review status: criteria provided, single submitter. Criteria: Invitae Variant Classification Sherloc (09022015). Collection method: clinical testing. Allele origin: germline.

Laboratory of Genetics, Children's Clinical University Hospital Latvia
Classification: Likely benign. Last evaluated: 2025-02-16. Review status: criteria provided, single submitter. Criteria: ACMG Guidelines, 2015. Collection method: clinical testing. Allele origin: germline. Affected: yes.

Genome-Nilou Lab
Classification: Benign for Developmental and epileptic encephalopathy, 5. Last evaluated: 2021-07-15. Review status: criteria provided, single submitter. Criteria: ACMG Guidelines, 2015. Collection method: clinical testing. Allele origin: germline. Affected: no.

GeneDx
Classification: Benign. Last evaluated: 2016-11-16. Review status: criteria provided, single submitter. Criteria: GeneDx Variant Classification (06012015). Collection method: clinical testing. Allele origin: germline. Affected: yes.
Comment: This variant is considered likely benign or benign based on one or more of the following criteria: it is a conservative change, it occurs at a poorly conserved position in the protein, it is predicted to be benign by multiple in silico algorithms, and/or has population frequency not consistent with disease.

PreventionGenetics, part of Exact Sciences
Classification: Likely benign for SPTAN1-related condition. Last evaluated: 2019-06-13. Review status: no assertion criteria provided. Collection method: clinical testing. Allele origin: germline. Not counted in ClinVar's aggregate classification.
Comment: This variant is classified as likely benign based on ACMG/AMP sequence variant interpretation guidelines (Richards et al. 2015 PMID: 25741868, with internal and published modifications).

Department of Pediatrics, Samsung Medical Center, Samsung Medical Center
Classification: Uncertain significance for Microcephaly. Review status: no assertion criteria provided. Criteria: ACMG Guidelines, 2015. Collection method: research. Allele origin: germline. Affected: yes. Not counted in ClinVar's aggregate classification.